The following is an entry in ClinVar:

NM_001253697.2(ERBIN):c.2044T>C (p.Ser682Pro)

Gene: ERBIN (erbb2 interacting protein; plus strand). Cytogenetic location: 5q12.3.
Variant type: single nucleotide variant.
Coding change: c.2044T>C on transcript NM_001253697.2 (MANE Select); coding-DNA position 2044, T replaced by C.
Protein change: p.Ser682Pro; replaces serine 682 with proline.
Molecular consequence: missense variant.
Genome position (GRCh38, 1-based): chr5:66,050,923, T>C. VCF-style: chr5-66050923-T-C. GRCh37 (hg19) VCF-style: chr5-65346751-T-C.
Other names: c.2044T>C, p.Ser682Pro (NM_001006600.3, NM_001253698.2, NM_001253699.2 and 1 more transcripts); c.2032T>C, p.Ser678Pro (NM_001253701.2); short protein forms S678P, S682P.
Identifiers: ClinVar variation 3683792 (VCV003683792.2).

ClinVar aggregate classification (germline): Uncertain significance (1 of 4 stars; one submission).

gnomAD v4.1: 13 of 1,605,542 alleles (0.00081%); highest among the groups gnomAD compares: Non-Finnish European, 0.0011%; no homozygotes.

Submission:

Labcorp Genetics (formerly Invitae), Labcorp
Classification: Uncertain significance. Last evaluated: 2024-12-23. Review status: criteria provided, single submitter. Criteria: Invitae Variant Classification Sherloc (09022015). Collection method: clinical testing. Allele origin: germline.
Comment: This sequence change replaces serine, which is neutral and polar, with proline, which is neutral and non-polar, at codon 682 of the ERBIN protein (p.Ser682Pro). This variant is not present in population databases (gnomAD no frequency). This variant has not been reported in the literature in individuals affected with ERBIN-related conditions. An algorithm developed to predict the effect of missense changes on protein structure and function (PolyPhen-2) suggests that this variant is likely to be disruptive. In summary, the available evidence is currently insufficient to determine the role of this variant in disease. Therefore, it has been classified as a Variant of Uncertain Significance.